The following is an entry in ClinVar:

ClinVar aggregate classification (germline): Uncertain significance (1 of 4 stars; one submission).

gnomAD v4.1: 2 of 1,614,066 alleles (0.00012%); highest among the groups gnomAD compares: Non-Finnish European, 0.00017%; no homozygotes.

Submission:

Ambry Genetics
Classification: Uncertain significance. Last evaluated: 2025-05-10. Review status: criteria provided, single submitter. Criteria: Ambry Variant Classification Scheme 2023. Collection method: clinical testing. Allele origin: germline.
Comment: The p.V363I variant (also known as c.1087G>A), located in coding exon 11 of the A2ML1 gene, results from a G to A substitution at nucleotide position 1087. The valine at codon 363 is replaced by isoleucine, an amino acid with highly similar properties. This amino acid position is conserved. In addition, this alteration is predicted to be tolerated by in silico analysis. Based on the available evidence, the clinical significance of this variant remains unclear.

NM_144670.6(A2ML1):c.1087G>A (p.Val363Ile)

Gene: A2ML1 (alpha-2-macroglobulin like 1; plus strand). Cytogenetic location: 12p13.31.
Variant type: single nucleotide variant.
Coding change: c.1087G>A on transcript NM_144670.6 (MANE Select); coding-DNA position 1087, G replaced by A.
Protein change: p.Val363Ile; replaces valine 363 with isoleucine.
Molecular consequence: missense variant.
Genome position (GRCh38, 1-based): chr12:8,841,375, G>A. VCF-style: chr12-8841375-G-A. GRCh37 (hg19) VCF-style: chr12-8993971-G-A.
Other names: short protein forms V363I.
Identifiers: ClinVar variation 3865149 (VCV003865149.2).